The following is an entry in ClinVar:

ClinVar aggregate classification (germline): Uncertain significance (1 of 4 stars; one submission).

Submission:

Ambry Genetics
Classification: Uncertain significance. Last evaluated: 2024-06-24. Review status: criteria provided, single submitter. Criteria: Ambry Variant Classification Scheme 2023. Collection method: clinical testing. Allele origin: germline.
Comment: The p.P3156L variant (also known as c.9467C>T), located in coding exon 68 of the PRKDC gene, results from a C to T substitution at nucleotide position 9467. The proline at codon 3156 is replaced by leucine, an amino acid with similar properties. This amino acid position is conserved. Based on the available evidence, the clinical significance of this variant remains unclear.

NM_006904.7(PRKDC):c.9467C>T (p.Pro3156Leu)

Gene: PRKDC (protein kinase, DNA-activated, catalytic subunit; minus strand). Cytogenetic location: 8q11.21.
Variant type: single nucleotide variant.
Coding change: c.9467C>T on transcript NM_006904.7 (MANE Select); coding-DNA position 9467, C replaced by T.
Protein change: p.Pro3156Leu; replaces proline 3156 with leucine.
Molecular consequence: missense variant.
Genome position (GRCh38, 1-based): chr8:47,817,540, G>A on the plus strand (C>T on the coding strand, the complement: PRKDC is on the minus strand). VCF-style: chr8-47817540-G-A. GRCh37 (hg19) VCF-style: chr8-48730101-G-A.
Other names: c.9467C>T, p.Pro3156Leu (NM_001081640.2); short protein forms P3156L.
Identifiers: ClinVar variation 3310196 (VCV003310196.1).